The following is an entry in ClinVar:

NM_000228.3(LAMB3):c.67C>T (p.Arg23Cys)

Gene: LAMB3 (laminin subunit beta 3; minus strand). Cytogenetic location: 1q32.2.
Variant type: single nucleotide variant.
Coding change: c.67C>T on transcript NM_000228.3 (MANE Select); coding-DNA position 67, C replaced by T.
Protein change: p.Arg23Cys; replaces arginine 23 with cysteine.
Molecular consequence: missense variant.
Genome position (GRCh38, 1-based): chr1:209,650,080, G>A on the plus strand (C>T on the coding strand, the complement: LAMB3 is on the minus strand). VCF-style: chr1-209650080-G-A. GRCh37 (hg19) VCF-style: chr1-209823425-G-A.
Other names: c.67C>T, p.Arg23Cys (NM_001017402.2, NM_001127641.1); short protein forms R23C.
Identifiers: ClinVar variation 295151 (VCV000295151.33), dbSNP rs115191959, ClinGen allele CA1376110.

ClinVar aggregate classification (germline): Likely benign. Review status: criteria provided, multiple submitters, no conflicts (2 of 4 stars). 6 submissions from 6 submitters: Likely benign (6). Last evaluated 2026-02-01.

Conditions:
LAMB3-related disorder. Also called: LAMB3-related condition.
Junctional epidermolysis bullosa. Identifiers: Orphanet 305, MedGen C0079301, MONDO:0017612.
Junctional epidermolysis bullosa gravis of Herlitz. Also called: Epidermolysis Bullosa Letalis; EPIDERMOLYSIS BULLOSA, JUNCTIONAL 1B, SEVERE; EPIDERMOLYSIS BULLOSA JUNCTIONALIS, HERLITZ TYPE; EPIDERMOLYSIS BULLOSA, JUNCTIONAL, HERLITZ-PEARSON TYPE; JEB-HERLITZ TYPE; Herlitz-type junctional epidermolysis bullosa. Identifiers: Orphanet 79404, MedGen C0079683, MONDO:0009182, OMIM 226700.

Allele frequency attached by ClinVar (database versions not stated): 1000 Genomes Project 30x 0.00031; ESP Exome Variant Server 0.00038; 1000 Genomes Project 0.00040; gnomAD 0.00044 and 0.00047; gnomAD exomes 0.00045 and 0.00068; TOPMed 0.00056; ExAC 0.00074.
gnomAD v4.1: 733 of 1,614,072 alleles (0.045%); highest among the groups gnomAD compares: Middle Eastern, 0.55%; 2 homozygotes.

Submissions (6):

Labcorp Genetics (formerly Invitae), Labcorp
Classification: Likely benign. Last evaluated: 2026-02-01. Review status: criteria provided, single submitter. Criteria: Invitae Variant Classification Sherloc (09022015). Collection method: clinical testing. Allele origin: germline.

PreventionGenetics, part of Exact Sciences
Classification: Likely benign for LAMB3-related condition. Last evaluated: 2025-05-15. Review status: criteria provided, single submitter. Criteria: ACMG Guidelines, 2015. Collection method: clinical testing. Allele origin: germline.
Comment: This variant is classified as likely benign based on ACMG/AMP sequence variant interpretation guidelines (Richards et al. 2015 PMID: 25741868, with internal and published modifications).

CeGaT Center for Human Genetics Tuebingen
Classification: Likely benign. Last evaluated: 2025-02-01. Review status: criteria provided, single submitter. Criteria: CeGaT Center For Human Genetics Tuebingen Variant Classification Criteria Version 2. Collection method: clinical testing. Allele origin: germline. Affected: yes. Observed: 1 variant allele.
Comment: LAMB3: BS2

Genome-Nilou Lab
Classification: Likely benign for Junctional epidermolysis bullosa gravis of Herlitz. Last evaluated: 2021-06-10. Review status: criteria provided, single submitter. Criteria: ACMG Guidelines, 2015. Collection method: clinical testing. Allele origin: germline. Affected: no.

Illumina Laboratory Services, Illumina
Classification: Likely benign for Junctional epidermolysis bullosa. Last evaluated: 2018-01-13. Review status: criteria provided, single submitter. Criteria: ICSL Variant Classification Criteria 13 December 2019. Collection method: clinical testing. Allele origin: germline.
Comment: This variant was observed in the ICSL laboratory as part of a predisposition screen in an ostensibly healthy population. It had not been previously curated by ICSL or reported in the Human Gene Mutation Database (HGMD: prior to June 1st, 2018), and was therefore a candidate for classification through an automated scoring system. Utilizing variant allele frequency, disease prevalence and penetrance estimates, and inheritance mode, an automated score was calculated to assess if this variant is too frequent to cause the disease. Based on the score and internal cut-off values, a variant classified as likely benign is not then subjected to further curation. The score for this variant resulted in a classification of likely benign for this disease.

Breakthrough Genomics
Classification: Likely benign. Review status: criteria provided, single submitter. Criteria: ACMG Guidelines, 2015. Collection method: not provided. Allele origin: germline. Inheritance: Autosomal recessive inheritance. Affected: yes.